The following is an entry in ClinVar:

ClinVar aggregate classification (germline): Benign (1 of 4 stars; one submission).

Allele frequency attached by ClinVar (database versions not stated): gnomAD 0.74176 and 0.74573; TOPMed 0.74550; 1000 Genomes Project 30x 0.74641; 1000 Genomes Project 0.75140.
gnomAD v4.1: 113,509 of 152,080 alleles (75%); highest among the groups gnomAD compares: East Asian, 89%; 42,855 homozygotes.

Submission:

GeneDx
Classification: Benign. Last evaluated: 2018-06-19. Review status: criteria provided, single submitter. Criteria: GeneDx Variant Classification (06012015). Collection method: clinical testing. Allele origin: germline. Affected: yes.
Comment: This variant is considered likely benign or benign based on one or more of the following criteria: it is a conservative change, it occurs at a poorly conserved position in the protein, it is predicted to be benign by multiple in silico algorithms, and/or has population frequency not consistent with disease.

NM_022132.5(MCCC2):c.1073-209G>A

Gene: MCCC2 (methylcrotonyl-CoA carboxylase subunit 2; plus strand). Cytogenetic location: 5q13.2.
Variant type: single nucleotide variant.
Coding change: c.1073-209G>A on transcript NM_022132.5 (MANE Select); 209 bases into the intron before coding-DNA position 1073, G replaced by A.
Molecular consequence: intron variant.
Genome position (GRCh38, 1-based): chr5:71,643,610, G>A. VCF-style: chr5-71643610-G-A. GRCh37 (hg19) VCF-style: chr5-70939437-G-A.
Other names: c.959-209G>A (NM_001363147.1).
Identifiers: ClinVar variation 684221 (VCV000684221.1), dbSNP rs7379830, ClinGen allele CA119999411.